The following is an entry in ClinVar:

ClinVar aggregate classification (germline): Uncertain significance (1 of 4 stars; one submission).

Submission:

Labcorp Genetics (formerly Invitae), Labcorp
Classification: Uncertain significance. Last evaluated: 2025-12-16. Review status: criteria provided, single submitter. Criteria: Invitae Variant Classification Sherloc (09022015). Collection method: clinical testing. Allele origin: germline.
Comment: This sequence change replaces proline, which is neutral and non-polar, with leucine, which is neutral and non-polar, at codon 288 of the WNT3 protein (p.Pro288Leu). This variant is not present in population databases (gnomAD no frequency). This variant has not been reported in the literature in individuals affected with WNT3-related conditions. Invitae Evidence Modeling of protein sequence and biophysical properties (such as structural, functional, and spatial information, amino acid conservation, physicochemical variation, residue mobility, and thermodynamic stability) indicates that this missense variant is not expected to disrupt WNT3 protein function with a negative predictive value of 80%. In summary, the available evidence is currently insufficient to determine the role of this variant in disease. Therefore, it has been classified as a Variant of Uncertain Significance.

NM_030753.5(WNT3):c.863C>T (p.Pro288Leu)

Genes: LRRC37A2 (leucine rich repeat containing 37 member A2), WNT3 (Wnt family member 3; minus strand). Cytogenetic location: 17q21.31.
Variant type: single nucleotide variant.
Coding change: c.863C>T on transcript NM_030753.5 (MANE Select); coding-DNA position 863, C replaced by T.
Protein change: p.Pro288Leu; replaces proline 288 with leucine.
Molecular consequence: missense variant.
Genome position (GRCh38, 1-based): chr17:46,768,525, G>A on the plus strand (C>T on the coding strand, the complement: WNT3 is on the minus strand). VCF-style: chr17-46768525-G-A. GRCh37 (hg19) VCF-style: chr17-44845891-G-A.
Other names: short protein forms P288L.
Identifiers: ClinVar variation 4701600 (VCV004701600.1).
Genomic context (GRCh38, chr17:46,768,525, plus strand): 5'-TCGATGCCGTGGGAGGTGACATTGCAAGTCCGGTCCCTTGTGCCAAAGGAACCCGTCTCT[G>A]GGTTGGGCTCACAAAAGTTGGGGGAGTTCTCGTAGTAGACCAGGTCCCTCTCCGTGGGTG-3'
Protein context (NP_110380.1, residues 278-298): ENSPNFCEPN[Pro288Leu]ETGSFGTRDR